The following is an entry in ClinVar:

NM_000083.3(CLCN1):c.1842G>C (p.Lys614Asn)

Gene: CLCN1 (chloride voltage-gated channel 1; plus strand). Cytogenetic location: 7q34.
Variant type: single nucleotide variant.
Coding change: c.1842G>C on transcript NM_000083.3 (MANE Select); coding-DNA position 1842, G replaced by C.
Protein change: p.Lys614Asn; replaces lysine 614 with asparagine.
Molecular consequence: missense variant. On other transcripts: non-coding transcript variant (1).
Genome position (GRCh38, 1-based): chr7:143,342,417, G>C. VCF-style: chr7-143342417-G-C. GRCh37 (hg19) VCF-style: chr7-143039510-G-C.
Other names: short protein forms K614N.
Identifiers: ClinVar variation 359114 (VCV000359114.26), dbSNP rs140205115, ClinGen allele CA4537498.

ClinVar aggregate classification (germline): Conflicting classifications of pathogenicity. Review status: criteria provided, conflicting classifications (1 of 4 stars). 9 submissions from 9 submitters: Uncertain significance (2); Benign (1); Likely benign (5). 1 of the submissions does not count toward it. Last evaluated 2026-08-01.

Conditions:
Congenital myotonia, autosomal dominant form (THD). Also called: THOMSEN DISEASE; Myotonia congenita autosomal dominant. Identifiers: Orphanet 614, MedGen C2936781, MONDO:0008055, OMIM 160800.
Congenital myotonia, autosomal recessive form. Also called: Becker Generalized Myotonia; myotonia congenita, autosomal recessive; BECKER DISEASE. Identifiers: Orphanet 614, MedGen C0751360, MONDO:0009715, OMIM 255700.
CLCN1-related disorder. Also called: CLCN1-related condition.
Batten-Turner congenital myopathy. Also called: Congenital myotonia; Myotonia congenita. Identifiers: Orphanet 206973, MedGen C0027127, MONDO:0100468, OMIM 255300.

Allele frequency attached by ClinVar (database versions not stated): 1000 Genomes Project 30x 0.00062; 1000 Genomes Project 0.00080; ExAC 0.00138; gnomAD exomes 0.00147 and 0.00344; gnomAD 0.00187; TOPMed 0.00220; ESP Exome Variant Server 0.00223.
gnomAD v4.1: 5,228 of 1,614,116 alleles (0.32%); highest among the groups gnomAD compares: Non-Finnish European, 0.42%; 15 homozygotes.

Submissions (9):

CeGaT Center for Human Genetics Tuebingen
Classification: Likely benign. Last evaluated: 2026-08-01. Review status: criteria provided, single submitter. Criteria: CeGaT Center For Human Genetics Tuebingen Variant Classification Criteria Version 2. Collection method: clinical testing. Allele origin: germline. Affected: yes. Observed: 1 variant allele.
Comment: CLCN1: PP3, BS2

Labcorp Genetics (formerly Invitae), Labcorp
Classification: Likely benign for Congenital myotonia, autosomal recessive form; Congenital myotonia, autosomal dominant form. Last evaluated: 2026-02-04. Review status: criteria provided, single submitter. Criteria: Invitae Variant Classification Sherloc (09022015). Collection method: clinical testing. Allele origin: germline.

Athena Diagnostics
Classification: Likely benign. Last evaluated: 2025-09-05. Review status: criteria provided, single submitter. Criteria: Athena Diagnostics Criteria. Collection method: clinical testing. Allele origin: unknown.
Comment: The frequency of this variant in the general population is higher than would generally be expected for pathogenic variants in this gene. Computational tools predict this amino acid change may be benign.

Mayo Clinic Laboratories, Mayo Clinic
Classification: Uncertain significance. Last evaluated: 2025-06-05. Review status: criteria provided, single submitter. Criteria: ACMG Guidelines, 2015. Collection method: clinical testing. Allele origin: germline. Observed: 2 variant alleles.
Comment: BS2

Blueprint Genetics
Classification: Uncertain significance. Last evaluated: 2024-11-25. Review status: criteria provided, single submitter. Criteria: ACMG Guidelines, 2015. Collection method: clinical testing. Allele origin: germline.

GeneDx
Classification: Likely benign. Last evaluated: 2020-07-09. Review status: criteria provided, single submitter. Criteria: GeneDx Variant Classification Process June 2021. Collection method: clinical testing. Allele origin: germline. Affected: yes.
Comment: This variant is associated with the following publications: (PMID: 25179549, 19185184, 12661046, 29606556)

Illumina Laboratory Services, Illumina
Classification: Benign for Myotonia congenita. Last evaluated: 2018-01-12. Review status: criteria provided, single submitter. Criteria: ICSL Variant Classification Criteria 13 December 2019. Collection method: clinical testing. Allele origin: germline.
Comment: This variant was observed in the ICSL laboratory as part of a predisposition screen in an ostensibly healthy population. It had not been previously curated by ICSL or reported in the Human Gene Mutation Database (HGMD: prior to June 1st, 2018), and was therefore a candidate for classification through an automated scoring system. Utilizing variant allele frequency, disease prevalence and penetrance estimates, and inheritance mode, an automated score was calculated to assess if this variant is too frequent to cause the disease. Based on the score and internal cut-off values, a variant classified as benign is not then subjected to further curation. The score for this variant resulted in a classification of benign for this disease.

Breakthrough Genomics
Classification: Likely benign. Review status: criteria provided, single submitter. Criteria: ACMG Guidelines, 2015. Collection method: not provided. Allele origin: germline. Inheritance: Autosomal recessive inheritance. Affected: yes.

PreventionGenetics, part of Exact Sciences
Classification: Likely benign for CLCN1-related condition. Last evaluated: 2020-10-12. Review status: no assertion criteria provided. Collection method: clinical testing. Allele origin: germline. Not counted in ClinVar's aggregate classification.
Comment: This variant is classified as likely benign based on ACMG/AMP sequence variant interpretation guidelines (Richards et al. 2015 PMID: 25741868, with internal and published modifications).

Literature cited by the submitters: PubMed 32054689 (cited by Athena Diagnostics and Mayo Clinic Laboratories, Mayo Clinic); PubMed 29606556 (cited by Athena Diagnostics and Mayo Clinic Laboratories, Mayo Clinic); PubMed 12661046 (cited by Athena Diagnostics and Mayo Clinic Laboratories, Mayo Clinic); PubMed 25179549 (cited by Mayo Clinic Laboratories, Mayo Clinic); PubMed 33464536 (cited by Mayo Clinic Laboratories, Mayo Clinic).